The following is an entry in ClinVar:

NM_000065.5(C6):c.178T>A (p.Phe60Ile)

Gene: C6 (complement C6; minus strand). Cytogenetic location: 5p13.1.
Variant type: single nucleotide variant.
Coding change: c.178T>A on transcript NM_000065.5 (MANE Select); coding-DNA position 178, T replaced by A.
Protein change: p.Phe60Ile; replaces phenylalanine 60 with isoleucine.
Molecular consequence: missense variant.
Genome position (GRCh38, 1-based): chr5:41,201,680, A>T on the plus strand (T>A on the coding strand, the complement: C6 is on the minus strand). VCF-style: chr5-41201680-A-T. GRCh37 (hg19) VCF-style: chr5-41201782-A-T.
Other names: c.178T>A, p.Phe60Ile (NM_001115131.4); short protein forms F60I.
Identifiers: ClinVar variation 2086573 (VCV002086573.4), dbSNP rs2479145770, ClinGen allele CA359605370.

ClinVar aggregate classification (germline): Uncertain significance (1 of 4 stars; one submission).

Submission:

Labcorp Genetics (formerly Invitae), Labcorp
Classification: Uncertain significance. Last evaluated: 2022-01-16. Review status: criteria provided, single submitter. Criteria: Invitae Variant Classification Sherloc (09022015). Collection method: clinical testing. Allele origin: germline.
Comment: In summary, the available evidence is currently insufficient to determine the role of this variant in disease. Therefore, it has been classified as a Variant of Uncertain Significance. Algorithms developed to predict the effect of missense changes on protein structure and function (SIFT, PolyPhen-2, Align-GVGD) all suggest that this variant is likely to be tolerated. This variant has not been reported in the literature in individuals affected with C6-related conditions. This variant is not present in population databases (gnomAD no frequency). This sequence change replaces phenylalanine, which is neutral and non-polar, with isoleucine, which is neutral and non-polar, at codon 60 of the C6 protein (p.Phe60Ile).